The following is an entry in ClinVar:

ClinVar aggregate classification (germline): Uncertain significance. Review status: criteria provided, multiple submitters, no conflicts (2 of 4 stars). 2 submissions from 2 submitters: Uncertain significance (2). Last evaluated 2024-11-18.

Conditions:
RELN-related disorder. Also called: RELN-related condition.
Familial temporal lobe epilepsy 7. Identifiers: Orphanet 101046, MedGen C4225327, MONDO:0014639, OMIM 616436.
Norman-Roberts syndrome (LIS2). Also called: Lissencephaly 2 (Norman-Roberts type). Identifiers: Orphanet 89844, MedGen C0796089, MONDO:0009760, OMIM 257320.

Allele frequency attached by ClinVar (database versions not stated): gnomAD 0.00001; TOPMed 0.00003; gnomAD exomes 0.00004 and 0.00006; ExAC 0.00006; ESP Exome Variant Server 0.00008.
gnomAD v4.1: 61 of 1,613,942 alleles (0.0038%); highest among the groups gnomAD compares: Middle Eastern, 0.016%; no homozygotes.

Submissions (2):

Labcorp Genetics (formerly Invitae), Labcorp
Classification: Uncertain significance for Familial temporal lobe epilepsy 7; Norman-Roberts syndrome. Last evaluated: 2024-11-18. Review status: criteria provided, single submitter. Criteria: Invitae Variant Classification Sherloc (09022015). Collection method: clinical testing. Allele origin: germline.
Comment: This sequence change replaces glutamic acid, which is acidic and polar, with lysine, which is basic and polar, at codon 3251 of the RELN protein (p.Glu3251Lys). This variant is present in population databases (rs376520049, gnomAD 0.009%). This missense change has been observed in individual(s) with neurodevelopmental disorders (PMID: 31144778, 31209962). ClinVar contains an entry for this variant (Variation ID: 475996). Invitae Evidence Modeling of protein sequence and biophysical properties (such as structural, functional, and spatial information, amino acid conservation, physicochemical variation, residue mobility, and thermodynamic stability) indicates that this missense variant is not expected to disrupt RELN protein function with a negative predictive value of 80%. In summary, the available evidence is currently insufficient to determine the role of this variant in disease. Therefore, it has been classified as a Variant of Uncertain Significance.

PreventionGenetics, part of Exact Sciences
Classification: Uncertain significance for RELN-related condition. Last evaluated: 2023-08-18. Review status: criteria provided, single submitter. Criteria: ACMG Guidelines, 2015. Collection method: clinical testing. Allele origin: germline.
Comment: The RELN c.9751G>A variant is predicted to result in the amino acid substitution p.Glu3251Lys. This variant was paternally inherited in an individual with Intellectual disability, autism spectrum disorder, and hypotonia (Table S1, Carraro et al. 2019. PubMed ID: 31144778; Table S5, Aspromonte et al. 2019. PubMed ID: 31209962). This variant is reported in 0.0093% of alleles in individuals of European (Non-Finnish) descent in gnomAD. At this time, the clinical significance of this variant is uncertain due to the absence of conclusive functional and genetic evidence.

Literature cited by the submitters: PubMed 31144778 (cited by Labcorp Genetics (formerly Invitae), Labcorp); PubMed 31209962 (cited by Labcorp Genetics (formerly Invitae), Labcorp).

NM_005045.4(RELN):c.9751G>A (p.Glu3251Lys)

Genes: SLC26A5-AS1 (SLC26A5 antisense RNA 1; plus strand), RELN (reelin; minus strand), LOC126860130 (BRD4-independent group 4 enhancer GRCh37_chr7:103130126-103131325; plus strand). Cytogenetic location: 7q22.1.
Variant type: single nucleotide variant.
Coding change: c.9751G>A on transcript NM_005045.4 (MANE Select); coding-DNA position 9751, G replaced by A.
Protein change: p.Glu3251Lys; replaces glutamic acid 3251 with lysine.
Molecular consequence: missense variant.
Genome position (GRCh38, 1-based): chr7:103,489,754, C>T on the plus strand (G>A on the coding strand, the complement: RELN is on the minus strand). VCF-style: chr7-103489754-C-T. GRCh37 (hg19) VCF-style: chr7-103130201-C-T.
Other names: c.9751G>A, p.Glu3251Lys (NM_173054.3); short protein forms E3251K.
Identifiers: ClinVar variation 475996 (VCV000475996.8), dbSNP rs376520049, ClinGen allele CA4420138.